The following is an entry in ClinVar:

NM_006206.6(PDGFRA):c.1661G>T (p.Arg554Met)

Gene: PDGFRA (platelet derived growth factor receptor alpha; plus strand). Cytogenetic location: 4q12.
Variant type: single nucleotide variant.
Coding change: c.1661G>T on transcript NM_006206.6 (MANE Select); coding-DNA position 1661, G replaced by T.
Protein change: p.Arg554Met; replaces arginine 554 with methionine.
Molecular consequence: missense variant.
Genome position (GRCh38, 1-based): chr4:54,274,848, G>T. VCF-style: chr4-54274848-G-T. GRCh37 (hg19) VCF-style: chr4-55141015-G-T.
Other names: c.1661G>T, p.Arg554Met (NM_001347827.2, NM_001347829.2); c.1736G>T, p.Arg579Met (NM_001347828.2); c.1700G>T, p.Arg567Met (NM_001347830.2); c.1661G>T (NM_006206.4); short protein forms R554M, R567M, R579M.
Identifiers: ClinVar variation 1008437 (VCV001008437.11), dbSNP rs761698258, ClinGen allele CA2922658.
Genomic context (GRCh38, chr4:54,274,848, plus strand): 5'-TGGTGCACTGGGACTTTGGTAATTCACCAGTTACCTGTCCTGGTCATTTATAGAAACCGA[G>T]GTATGAAATTCGCTGGAGGGTCATTGAATCAATCAGCCCAGATGGACATGAATATATTTA-3'
Protein context (NP_006197.1, residues 544-564): VLVVIWKQKP[Arg554Met]YEIRWRVIES

ClinVar aggregate classification (germline): Uncertain significance. Review status: criteria provided, multiple submitters, no conflicts (2 of 4 stars). 2 submissions from 2 submitters: Uncertain significance (2). Last evaluated 2025-09-23.

Conditions:
Gastrointestinal stromal tumor. Also called: Gastrointestinal stromal tumor, somatic; Gastrointestinal stroma tumor. Identifiers: Orphanet 44890, MedGen C0238198, MeSH D046152, MONDO:0011719, OMIM 606764, HP:0100723.
Hereditary cancer-predisposing syndrome. Also called: Neoplastic Syndromes, Hereditary; Hereditary Cancer Syndrome; Hereditary neoplastic syndrome; Tumor predisposition. Identifiers: Orphanet 140162, MedGen C0027672, MeSH D009386, MONDO:0015356.

Allele frequency attached by ClinVar (database versions not stated): gnomAD exomes 0.00001.
gnomAD v4.1: 4 of 1,614,060 alleles (0.00025%); highest among the groups gnomAD compares: Non-Finnish European, 0.00017%; no homozygotes.

Submissions (2):

Labcorp Genetics (formerly Invitae), Labcorp
Classification: Uncertain significance for Gastrointestinal stromal tumor. Last evaluated: 2025-09-23. Review status: criteria provided, single submitter. Criteria: Invitae Variant Classification Sherloc (09022015). Collection method: clinical testing. Allele origin: germline.
Comment: This sequence change replaces arginine, which is basic and polar, with methionine, which is neutral and non-polar, at codon 554 of the PDGFRA protein (p.Arg554Met). This variant is present in population databases (rs761698258, gnomAD 0.004%). This variant has not been reported in the literature in individuals affected with PDGFRA-related conditions. ClinVar contains an entry for this variant (Variation ID: 1008437). Invitae Evidence Modeling of protein sequence and biophysical properties (such as structural, functional, and spatial information, amino acid conservation, physicochemical variation, residue mobility, and thermodynamic stability) has been performed for this missense variant. However, the output from this modeling did not meet the statistical confidence thresholds required to predict the impact of this variant on PDGFRA protein function. In summary, the available evidence is currently insufficient to determine the role of this variant in disease. Therefore, it has been classified as a Variant of Uncertain Significance.

Ambry Genetics
Classification: Uncertain significance for Hereditary cancer-predisposing syndrome. Last evaluated: 2023-04-19. Review status: criteria provided, single submitter. Criteria: Ambry Variant Classification Scheme 2023. Collection method: clinical testing. Allele origin: germline.
Comment: The p.R554M variant (also known as c.1661G>T), located in coding exon 11 of the PDGFRA gene, results from a G to T substitution at nucleotide position 1661. The arginine at codon 554 is replaced by methionine, an amino acid with similar properties. This amino acid position is highly conserved in available vertebrate species. In addition, this alteration is predicted to be deleterious by in silico analysis. Since supporting evidence is limited at this time, the clinical significance of this alteration remains unclear.